The following is an entry in ClinVar:

NM_007294.4(BRCA1):c.3178G>T (p.Glu1060Ter)

Gene: BRCA1 (BRCA1 DNA repair associated; minus strand). Cytogenetic location: 17q21.31.
Variant type: single nucleotide variant.
Coding change: c.3178G>T on transcript NM_007294.4 (MANE Select); coding-DNA position 3178, G replaced by T.
Protein change: p.Glu1060Ter; replaces glutamic acid 1060 with a stop codon.
Molecular consequence: nonsense. On other transcripts: intron variant (137).
Genome position (GRCh38, 1-based): chr17:43,092,353, C>A on the plus strand (G>T on the coding strand, the complement: BRCA1 is on the minus strand). VCF-style: chr17-43092353-C-A. GRCh37 (hg19) VCF-style: chr17-41244370-C-A.
Other names: p.E1060*:GAA>TAA; c.2914G>T, p.Glu972Ter (NM_001407935.1, NM_001407920.1, NM_001407921.1 and 9 more transcripts); c.2911G>T, p.Glu971Ter (NM_001407936.1, NM_001407930.1, NM_001407931.1 and 2 more transcripts); c.3055G>T, p.Glu1019Ter (NM_001407937.1, NM_001407938.1, NM_001407939.1 and 19 more transcripts); c.3052G>T, p.Glu1018Ter (NM_001407940.1, NM_001407941.1, NM_001407649.1 and 11 more transcripts); c.3037G>T, p.Glu1013Ter (NM_001407942.1, NM_001407944.1, NM_001407945.1 and 29 more transcripts); c.3034G>T, p.Glu1012Ter (NM_001407943.1, NM_001407964.1, NM_001407740.1 and 20 more transcripts); c.2845G>T, p.Glu949Ter (NM_001407946.1, NM_001407947.1, NM_001407948.1 and 6 more transcripts); and 42 more; short protein forms E1060*, E1013*, E1057*, E764*, E892*, E933*, E948*, E992*.
Identifiers: ClinVar variation 54789 (VCV000054789.51), dbSNP rs80357424, ClinGen allele CA002070.
Genomic context (GRCh38, chr17:43,092,353, plus strand): 5'-ATTTTGGCCCTCTGTTTCTACCTAGTTCTGCTTGAATGTTTTCATCACTGGAACCTATTT[C>A]ATTAATACTGGAGCCCACTTCATTAGTACTGGAACCTACTTCATTAATATTGCTTGAGCT-3'

ClinVar aggregate classification (germline): Pathogenic. Review status: reviewed by expert panel (3 of 4 stars). 19 submissions from 19 submitters: Pathogenic (1). 18 of the submissions do not count toward it. Last evaluated 2016-09-08.

Conditions:
Hereditary cancer-predisposing syndrome. Also called: Tumor predisposition; Neoplastic Syndromes, Hereditary; Hereditary Cancer Syndrome; Hereditary neoplastic syndrome. Identifiers: Orphanet 140162, MedGen C0027672, MeSH D009386, MONDO:0015356.
Hereditary breast ovarian cancer syndrome. Also called: Hereditary breast and ovarian cancer syndrome (HBOC); Hereditary breast and ovarian cancer syndrome; Hereditary breast and ovarian cancer; Hereditary breast and/or ovarian cancer syndrome; Breast and ovarian cancer; BRCA1- and BRCA2-Associated Hereditary Breast and Ovarian Cancer. Identifiers: Orphanet 145, MedGen C0677776, MeSH D061325, MONDO:0003582. Disease mechanism: loss of function.
Breast-ovarian cancer, familial, susceptibility to, 1 (BROVCA1). Also called: OVARIAN CANCER, SUSCEPTIBILITY TO; BRCA1 Hereditary Breast and Ovarian Cancer. Identifiers: Orphanet 145, MedGen C2676676, MONDO:0011450, OMIM 604370. Disease mechanism: loss of function.
Malignant tumor of breast. Also called: Malignant breast neoplasm; Cancer breast. Identifiers: MedGen C0006142, MONDO:0007254. Disease mechanism: loss of function.

Allele frequency attached by ClinVar (database versions not stated): gnomAD exomes below 0.00001.
gnomAD v4.1: 1 of 1,613,924 alleles (0.000062%); highest among the groups gnomAD compares: Non-Finnish European, 0.000085%; no homozygotes.

Submissions 1 to 11 of 19:

Evidence-based Network for the Interpretation of Germline Mutant Alleles (ENIGMA)
Classification: Pathogenic for Breast-ovarian cancer, familial, susceptibility to, 1. Last evaluated: 2016-09-08. Review status: reviewed by expert panel. Criteria: ENIGMA BRCA1/2 Classification Criteria (2015). Collection method: curation. Allele origin: germline.
Comment: Variant allele predicted to encode a truncated non-functional protein.

Labcorp Genetics (formerly Invitae), Labcorp
Classification: Pathogenic for Hereditary breast ovarian cancer syndrome. Last evaluated: 2025-07-18. Review status: criteria provided, single submitter. Criteria: Invitae Variant Classification Sherloc (09022015). Collection method: clinical testing. Allele origin: germline. Not counted in ClinVar's aggregate classification.
Comment: This sequence change creates a premature translational stop signal (p.Glu1060*) in the BRCA1 gene. It is expected to result in an absent or disrupted protein product. Loss-of-function variants in BRCA1 are known to be pathogenic (PMID: 20104584). This variant is not present in population databases (gnomAD no frequency). This premature translational stop signal has been observed in individual(s) with breast and/or ovarian cancer (PMID: 9333265, 24010542, 26681312). This variant is also known as 3297G>T. ClinVar contains an entry for this variant (Variation ID: 54789). For these reasons, this variant has been classified as Pathogenic.

Ambry Genetics
Classification: Pathogenic for Hereditary cancer-predisposing syndrome. Last evaluated: 2025-03-25. Review status: criteria provided, single submitter. Criteria: Ambry Variant Classification Scheme 2023. Collection method: clinical testing. Allele origin: germline. Not counted in ClinVar's aggregate classification.
Comment: The p.E1060* pathogenic mutation (also known as c.3178G>T), located in coding exon 9 of the BRCA1 gene, results from a G to T substitution at nucleotide position 3178. This changes the amino acid from a glutamic acid to a stop codon within coding exon 9. This variant has been reported in numerous hereditary breast and ovarian cancer (HBOC) families and has been described as a Norwegian founder mutation (Shattuck-Eidens D et al. JAMA. 1997 Oct;278:1242-50; Loman N et al. J. Natl. Cancer Inst. 2001 Aug;93:1215-23; Soegaard M et al. Clin Cancer Res, 2008 Jun;14:3761-7; Thomassen M et al. Acta Oncol, 2008;47:772-7; Janaviius R. EPMA J. 2010 Sep;1:397-412; Fostira F et al. Case Rep Genet. 2014 Mar;2014:875029; Susswein LR et al. Genet Med, 2016 08;18:823-32; Heramb C et al. Hered Cancer Clin Pract 2018 Jan;16:3; Rebbeck TR et al. Hum Mutat, 2018 05;39:593-620; Dorling et al. N Engl J Med. 2021 02;384:428-439). Of note, this alteration is also referred to as 3297G>T in the literature. In addition to the clinical data presented in the literature, this alteration is expected to result in loss of function by premature protein truncation or nonsense-mediated mRNA decay. As such, this alteration is interpreted as a disease-causing mutation.

Baylor Genetics
Classification: Pathogenic for Breast-ovarian cancer, familial, susceptibility to, 1. Last evaluated: 2023-11-09. Review status: criteria provided, single submitter. Criteria: ACMG Guidelines, 2015. Collection method: clinical testing. Allele origin: unknown. Not counted in ClinVar's aggregate classification.

Revvity Omics, Revvity
Classification: Pathogenic. Last evaluated: 2023-02-24. Review status: criteria provided, single submitter. Criteria: ACMG Guidelines, 2015. Collection method: clinical testing. Allele origin: germline. Not counted in ClinVar's aggregate classification.

Clinical Genetics Laboratory, Skane University Hospital Lund
Classification: Pathogenic. Last evaluated: 2023-01-04. Review status: criteria provided, single submitter. Criteria: ACMG Guidelines, 2015. Collection method: clinical testing. Allele origin: germline. Affected: yes. Not counted in ClinVar's aggregate classification.

Color Diagnostics, LLC DBA Color Health
Classification: Pathogenic for Hereditary cancer-predisposing syndrome. Last evaluated: 2021-03-16. Review status: criteria provided, single submitter. Criteria: ACMG Guidelines, 2015. Collection method: clinical testing. Allele origin: germline. Not counted in ClinVar's aggregate classification.
Comment: This variant changes 1 nucleotide in exon 10 of the BRCA1 gene, creating a premature translation stop signal. This variant is expected to result in an absent or non-functional protein product. To our knowledge, functional studies have not been reported for this variant. This variant has been detected in at least 50 individuals and families affected with breast and ovarian cancer (PMID: 9333265, 11504767, 17574839, 24010542, 26681312, 29339979, 29371908) and it is a suspected founder mutation in Norway (PMID: 17574839, 23199084, 29339979). This variant has not been identified in the general population by the Genome Aggregation Database (gnomAD). Loss of BRCA1 function is a known mechanism of disease. Based on the available evidence, this variant is classified as Pathogenic.

GeneDx
Classification: Pathogenic. Last evaluated: 2020-09-14. Review status: criteria provided, single submitter. Criteria: GeneDx Variant Classification Process June 2021. Collection method: clinical testing. Allele origin: germline. Affected: yes. Not counted in ClinVar's aggregate classification.
Comment: Nonsense variant predicted to result in protein truncation or nonsense mediated decay in a gene for which loss-of-function is a known mechanism of disease; Not observed in large population cohorts (Lek et al., 2016); Truncating variants in this gene are considered pathogenic by a well-established clinical consortium and/or database; Also known as 3297G>T; Observed in individuals with a personal or family history consistent with pathogenic variants in this gene (Shattuck-Eidens 1997, Fostira 2014); This variant is associated with the following publications: (PMID: 22434525, 25525159, 9333265, 29339979, 29446198, 24010542, 26681312, 11504767, 17574839, 29371908, 31209999, 12481264, 24660075, 32719484)

Women's Health and Genetics/Laboratory Corporation of America, LabCorp
Classification: Pathogenic for Hereditary breast and ovarian cancer syndrome. Last evaluated: 2018-03-26. Review status: criteria provided, single submitter. Criteria: LabCorp Variant Classification Summary - May 2015. Collection method: clinical testing. Allele origin: germline. Not counted in ClinVar's aggregate classification.
Comment: Variant summary: BRCA1 c.3178G>T (p.Glu1060X) results in a premature termination codon, predicted to cause a truncation of the encoded protein or absence of the protein due to nonsense mediated decay, which are commonly known mechanisms for disease. The variant was absent in 245534 control chromosomes (gnomAD). The variant, c.3178G>T, has been reported in the literature in multiple individuals affected with Hereditary Breast and Ovarian Cancer (e.g. Shattuck-Eidens_1997, Loman_2001, Moller_2001, Fostira_2014). These data indicate that the variant is very likely to be associated with disease. To our knowledge, no experimental evidence demonstrating an impact on protein function has been reported. Multiple ClinVar submissions from clinical diagnostic laboratories (evaluation after 2014) cites the variant as "pathogenic." Based on the evidence outlined above, the variant was classified as pathogenic.

Quest Diagnostics Nichols Institute San Juan Capistrano
Classification: Pathogenic. Last evaluated: 2017-06-01. Review status: criteria provided, single submitter. Criteria: Quest Diagnostics criteria. Collection method: clinical testing. Allele origin: germline. Not counted in ClinVar's aggregate classification.

Clinical Genetics and Genomics, Karolinska University Hospital
Classification: Pathogenic. Last evaluated: 2016-04-13. Review status: criteria provided, single submitter. Criteria: ACMG Guidelines, 2015. Collection method: clinical testing. Allele origin: germline. Affected: yes. Observed: 10 variant alleles. Not counted in ClinVar's aggregate classification.